The following is an entry in ClinVar:

ClinVar aggregate classification (germline): Benign (1 of 4 stars; one submission).

Conditions:
Congenital contractural arachnodactyly (CCA). Also called: BEALS SYNDROME; Beals-Hecht syndrome; Arthrogryposis, distal, type 9. Identifiers: Orphanet 115, MedGen C0220668, MONDO:0007363, OMIM 121050.

Allele frequency attached by ClinVar (database versions not stated): gnomAD 0.00089; 1000 Genomes Project 30x 0.00109; TOPMed 0.00112; 1000 Genomes Project 0.00120; gnomAD exomes 0.00138.
gnomAD v4.1: 711 of 565,202 alleles (0.13%); highest among the groups gnomAD compares: Middle Eastern, 0.56%; 2 homozygotes.

Submission:

Illumina Laboratory Services, Illumina
Classification: Benign for Congenital contractural arachnodactyly. Last evaluated: 2018-01-12. Review status: criteria provided, single submitter. Criteria: ICSL Variant Classification Criteria 13 December 2019. Collection method: clinical testing. Allele origin: germline.
Comment: This variant was observed in the ICSL laboratory as part of a predisposition screen in an ostensibly healthy population. It had not been previously curated by ICSL or reported in the Human Gene Mutation Database (HGMD: prior to June 1st, 2018), and was therefore a candidate for classification through an automated scoring system. Utilizing variant allele frequency, disease prevalence and penetrance estimates, and inheritance mode, an automated score was calculated to assess if this variant is too frequent to cause the disease. Based on the score and internal cut-off values, a variant classified as benign is not then subjected to further curation. The score for this variant resulted in a classification of benign for this disease.

NM_001999.4(FBN2):c.-269A>G

Gene: FBN2 (fibrillin 2; minus strand). Cytogenetic location: 5q23.3.
Variant type: single nucleotide variant.
Coding change: c.-269A>G on transcript NM_001999.4 (MANE Select); 269 bases upstream of the start codon, A replaced by G.
Molecular consequence: 5 prime UTR variant.
Genome position (GRCh38, 1-based): chr5:128,537,872, T>C on the plus strand (A>G on the coding strand, the complement: FBN2 is on the minus strand). VCF-style: chr5-128537872-T-C. GRCh37 (hg19) VCF-style: chr5-127873565-T-C.
Identifiers: ClinVar variation 350797 (VCV000350797.5), dbSNP rs149771492, ClinGen allele CA10622603.
Genomic context (GRCh38, chr5:128,537,872, plus strand): 5'-CTAGCGCAGTGAGCGGCGAGGCGCGGCGGAGGTGCAGCCGGCAGCCCCGAGCGGTACACG[T>C]TGCATAACCGGCCTAAAGCCCCGAGCGACTCCAGGACCGTCAGCGGGCGGGGGAGGAAAT-3'